The following is an entry in ClinVar:

ClinVar aggregate classification (germline): Uncertain significance (1 of 4 stars; one submission).

Submission:

Labcorp Genetics (formerly Invitae), Labcorp
Classification: Uncertain significance. Last evaluated: 2023-11-24. Review status: criteria provided, single submitter. Criteria: Invitae Variant Classification Sherloc (09022015). Collection method: clinical testing. Allele origin: germline.
Comment: This sequence change affects codon 342 of the EMC1 mRNA. It is a 'silent' change, meaning that it does not change the encoded amino acid sequence of the EMC1 protein. This variant also falls at the last nucleotide of exon 9, which is part of the consensus splice site for this exon. This variant is not present in population databases (gnomAD no frequency). This variant has not been reported in the literature in individuals affected with EMC1-related conditions. ClinVar contains an entry for this variant (Variation ID: 2005024). Variants that disrupt the consensus splice site are a relatively common cause of aberrant splicing (PMID: 17576681, 9536098). Algorithms developed to predict the effect of sequence changes on RNA splicing suggest that this variant is not likely to affect RNA splicing. In summary, the available evidence is currently insufficient to determine the role of this variant in disease. Therefore, it has been classified as a Variant of Uncertain Significance.

Literature cited by the submitters: PubMed 17576681; PubMed 9536098.

NM_015047.3(EMC1):c.1026G>A (p.Val342=)

Genes: EMC1 (ER membrane protein complex subunit 1; minus strand), EMC1-AS1 (EMC1 antisense RNA 1; plus strand). Cytogenetic location: 1p36.13.
Variant type: single nucleotide variant.
Coding change: c.1026G>A on transcript NM_015047.3 (MANE Select); coding-DNA position 1026, G replaced by A.
Protein change: p.Val342=; no amino-acid change (valine 342 retained).
Molecular consequence: synonymous variant.
Genome position (GRCh38, 1-based): chr1:19,239,231, C>T on the plus strand (G>A on the coding strand, the complement: EMC1 is on the minus strand). VCF-style: chr1-19239231-C-T. GRCh37 (hg19) VCF-style: chr1-19565725-C-T.
Other names: c.1026G>A, p.Val342= (NM_001271427.2, NM_001271428.2, NM_001375820.1 and 1 more transcripts); c.960G>A, p.Val320= (NM_001271429.2).
Identifiers: ClinVar variation 2005024 (VCV002005024.4), dbSNP rs2536774811, ClinGen allele CA416429899.